The following is an entry in ClinVar:

NM_007259.5(VPS45):c.718C>G (p.Leu240Val)

Gene: VPS45 (vacuolar protein sorting 45 homolog; plus strand). Cytogenetic location: 1q21.2.
Variant type: single nucleotide variant.
Coding change: c.718C>G on transcript NM_007259.5 (MANE Select); coding-DNA position 718, C replaced by G.
Protein change: p.Leu240Val; replaces leucine 240 with valine.
Molecular consequence: missense variant. On other transcripts: non-coding transcript variant (1).
Genome position (GRCh38, 1-based): chr1:150,081,372, C>G. VCF-style: chr1-150081372-C-G. GRCh37 (hg19) VCF-style: chr1-150053454-C-G.
Other names: c.403C>G, p.Leu135Val (NM_001279353.2); c.610C>G, p.Leu204Val (NM_001279354.2); c.718C>G (NM_007259.3); short protein forms L240V, L135V, L204V.
Identifiers: ClinVar variation 474246 (VCV000474246.12), dbSNP rs587716374, ClinGen allele CA1073226.

ClinVar aggregate classification (germline): Uncertain significance. Review status: criteria provided, multiple submitters, no conflicts (2 of 4 stars). 3 submissions from 3 submitters: Uncertain significance (2). 1 of the submissions does not count toward it. Last evaluated 2025-01-16.

Conditions:
Congenital neutropenia-myelofibrosis-nephromegaly syndrome. Also called: Severe congenital neutropenia 5, autosomal recessive. Identifiers: Orphanet 369852, MedGen C3809031, MONDO:0014118, OMIM 615285.
Inborn genetic diseases. Identifiers: MedGen C0950123, MeSH D030342.

Allele frequency attached by ClinVar (database versions not stated): gnomAD 0.00001; gnomAD exomes 0.00001 and 0.00002; TOPMed 0.00001; ExAC 0.00003; 1000 Genomes Project 30x 0.00016; 1000 Genomes Project 0.00020.
gnomAD v4.1: 34 of 1,607,344 alleles (0.0021%); highest among the groups gnomAD compares: Non-Finnish European, 0.0026%; no homozygotes.

Submissions (3):

Ambry Genetics
Classification: Uncertain significance for Inborn genetic diseases. Last evaluated: 2025-01-16. Review status: criteria provided, single submitter. Criteria: Ambry Variant Classification Scheme 2023. Collection method: clinical testing. Allele origin: germline.

Labcorp Genetics (formerly Invitae), Labcorp
Classification: Uncertain significance for Congenital neutropenia-myelofibrosis-nephromegaly syndrome. Last evaluated: 2024-01-27. Review status: criteria provided, single submitter. Criteria: Invitae Variant Classification Sherloc (09022015). Collection method: clinical testing. Allele origin: germline.
Comment: This sequence change replaces leucine, which is neutral and non-polar, with valine, which is neutral and non-polar, at codon 240 of the VPS45 protein (p.Leu240Val). This variant is present in population databases (rs587716374, gnomAD 0.003%). This variant has not been reported in the literature in individuals affected with VPS45-related conditions. ClinVar contains an entry for this variant (Variation ID: 474246). Advanced modeling of protein sequence and biophysical properties (such as structural, functional, and spatial information, amino acid conservation, physicochemical variation, residue mobility, and thermodynamic stability) performed at Invitae indicates that this missense variant is not expected to disrupt VPS45 protein function with a negative predictive value of 80%. In summary, the available evidence is currently insufficient to determine the role of this variant in disease. Therefore, it has been classified as a Variant of Uncertain Significance.

Natera, Inc.
Classification: Uncertain significance for Autosomal recessive severe congenital neutropenia 5. Last evaluated: 2020-08-08. Review status: no assertion criteria provided. Collection method: clinical testing. Allele origin: germline. Not counted in ClinVar's aggregate classification.